The following is an entry in ClinVar:

ClinVar aggregate classification (germline): Conflicting classifications of pathogenicity. Review status: criteria provided, conflicting classifications (1 of 4 stars). 4 submissions from 4 submitters: Uncertain significance (2); Likely benign (1). 1 of the submissions does not count toward it. Last evaluated 2025-08-04.

Conditions:
CACNA1F-related retinopathy. Identifiers: MedGen CN375918, MONDO:0700243.
CACNA1F-related disorder. Also called: CACNA1F-related condition.

Allele frequency attached by ClinVar (database versions not stated): gnomAD 0.00005; TOPMed 0.00005; gnomAD exomes 0.00011; ExAC 0.00013.

Submissions (4):

Labcorp Genetics (formerly Invitae), Labcorp
Classification: Uncertain significance. Last evaluated: 2025-08-04. Review status: criteria provided, single submitter. Criteria: Invitae Variant Classification Sherloc (09022015). Collection method: clinical testing. Allele origin: germline.
Comment: This sequence change replaces arginine, which is basic and polar, with histidine, which is basic and polar, at codon 937 of the CACNA1F protein (p.Arg937His). This variant is present in population databases (rs782092924, gnomAD 0.06%), and has an allele count higher than expected for a pathogenic variant. This variant has not been reported in the literature in individuals affected with CACNA1F-related conditions. ClinVar contains an entry for this variant (Variation ID: 837992). Invitae Evidence Modeling of protein sequence and biophysical properties (such as structural, functional, and spatial information, amino acid conservation, physicochemical variation, residue mobility, and thermodynamic stability) has been performed for this missense variant. However, the output from this modeling did not meet the statistical confidence thresholds required to predict the impact of this variant on CACNA1F protein function. In summary, the available evidence is currently insufficient to determine the role of this variant in disease. Therefore, it has been classified as a Variant of Uncertain Significance.

CeGaT Center for Human Genetics Tuebingen
Classification: Likely benign. Last evaluated: 2023-03-01. Review status: criteria provided, single submitter. Criteria: CeGaT Center For Human Genetics Tuebingen Variant Classification Criteria Version 2. Collection method: clinical testing. Allele origin: germline. Affected: yes. Observed: 1 variant allele.
Comment: CACNA1F: BS2

Department of Pathology and Laboratory Medicine, Sinai Health System
Classification: Uncertain significance for CACNA1F-related retinopathy. Last evaluated: 2022-07-19. Review status: criteria provided, single submitter. Criteria: ACMG Guidelines, 2015. Collection method: research. Allele origin: germline.

PreventionGenetics, part of Exact Sciences
Classification: Likely benign for CACNA1F-related condition. Last evaluated: 2024-09-06. Review status: no assertion criteria provided. Collection method: clinical testing. Allele origin: germline. Not counted in ClinVar's aggregate classification.
Comment: This variant is classified as likely benign based on ACMG/AMP sequence variant interpretation guidelines (Richards et al. 2015 PMID: 25741868, with internal and published modifications).

NM_001256789.3(CACNA1F):c.2777G>A (p.Arg926His)

Gene: CACNA1F (calcium voltage-gated channel subunit alpha1 F; minus strand). Cytogenetic location: Xp11.23.
Variant type: single nucleotide variant.
Coding change: c.2777G>A on transcript NM_001256789.3 (MANE Select); coding-DNA position 2777, G replaced by A.
Protein change: p.Arg926His; replaces arginine 926 with histidine.
Molecular consequence: missense variant.
Genome position (GRCh38, 1-based): chrX:49,218,692, C>T on the plus strand (G>A on the coding strand, the complement: CACNA1F is on the minus strand). VCF-style: chrX-49218692-C-T. GRCh37 (hg19) VCF-style: chrX-49075151-C-T.
Other names: c.2615G>A, p.Arg872His (NM_001256790.3); c.2810G>A, p.Arg937His (NM_005183.4); short protein forms R926H, R937H, R872H.
Identifiers: ClinVar variation 837992 (VCV000837992.32), dbSNP rs782092924, ClinGen allele CA10410596.